The following is an entry in ClinVar:

ClinVar aggregate classification (germline): Uncertain significance (1 of 4 stars; one submission).

Allele frequency attached by ClinVar (database versions not stated): ExAC 0.00001.
gnomAD v4.1: 4 of 1,613,880 alleles (0.00025%); highest among the groups gnomAD compares: Non-Finnish European, 0.00034%; no homozygotes.

Submission:

Labcorp Genetics (formerly Invitae), Labcorp
Classification: Uncertain significance. Last evaluated: 2022-09-10. Review status: criteria provided, single submitter. Criteria: Invitae Variant Classification Sherloc (09022015). Collection method: clinical testing. Allele origin: germline.
Comment: In summary, the available evidence is currently insufficient to determine the role of this variant in disease. Therefore, it has been classified as a Variant of Uncertain Significance. Algorithms developed to predict the effect of missense changes on protein structure and function (SIFT, PolyPhen-2, Align-GVGD) all suggest that this variant is likely to be disruptive. This variant has not been reported in the literature in individuals affected with VCAN-related conditions. This variant is present in population databases (rs756520143, gnomAD 0.0009%). This sequence change replaces tyrosine, which is neutral and polar, with cysteine, which is neutral and slightly polar, at codon 2984 of the VCAN protein (p.Tyr2984Cys).

NM_004385.5(VCAN):c.8951A>G (p.Tyr2984Cys)

Genes: VCAN-AS1 (VCAN antisense RNA 1; minus strand), VCAN (versican; plus strand). Cytogenetic location: 5q14.3.
Variant type: single nucleotide variant.
Coding change: c.8951A>G on transcript NM_004385.5 (MANE Select); coding-DNA position 8951, A replaced by G.
Protein change: p.Tyr2984Cys; replaces tyrosine 2984 with cysteine.
Molecular consequence: missense variant. On other transcripts: intron variant (2).
Genome position (GRCh38, 1-based): chr5:83,541,954, A>G. VCF-style: chr5-83541954-A-G. GRCh37 (hg19) VCF-style: chr5-82837773-A-G.
Other names: c.5990A>G, p.Tyr1997Cys (NM_001164097.2); c.4004-3583A>G (NM_001164098.2); c.1043-3583A>G (NM_001126336.3); short protein forms Y1997C, Y2984C.
Identifiers: ClinVar variation 1959300 (VCV001959300.5), dbSNP rs756520143, ClinGen allele CA3333881.